The following is an entry in ClinVar:

ClinVar aggregate classification (germline): Likely pathogenic. Review status: reviewed by expert panel (3 of 4 stars). 3 submissions from 3 submitters: Likely pathogenic (1). 2 of the submissions do not count toward it. Last evaluated 2022-08-09.

Conditions:
Very long chain acyl-CoA dehydrogenase deficiency (ACADVLD). Also called: VLCAD Deficiency; Very Long-Chain Acyl-Coenzyme A Dehydrogenase Deficiency. Identifiers: Orphanet 26793, MedGen C3887523, MONDO:0008723, OMIM 201475.

Submissions (3):

ClinGen ACADVL Variant Curation Expert Panel, ClinGen
Classification: Likely pathogenic for Very long chain acyl-CoA dehydrogenase deficiency. Last evaluated: 2022-08-09. Review status: reviewed by expert panel. Criteria: clingen acadvl acmg specifications v1. Collection method: curation. Allele origin: germline. Inheritance: Autosomal recessive inheritance.
Comment: The c.265C>T variant in ACADVL is a missense variant predicted to cause substitution of proline by serine at amino acid 89 (p.Pro89Ser). This variant has been reported in two individuals with very long chain acyl-CoA dehydrogenase (VLCAD) deficiency in the literature with either significantly reduced VLCAD activity or variably increased C14:1 acylcarnitine levels (PP4_moderate; PMIDs: 11914034, Russian Paper). In these same probands, the variant was detected once confirmed in-trans with a pathogenic variant (PM3; PMIDs: 11914034). This variant is absent from gnomAD v2.1.1 (PM2_Supporting). Site-directed mutagenesis expression showed impaired VLCAD enzyme activity (PS3_supporting; PMIDs: 11914034). The computational predictor REVEL gives a score of 0.922, which is above the threshold of 0.75, evidence that correlates with impact to ACADVL function (PP3). In summary, this variant meets the criteria to be classified as likely pathogenic for autosomal recessive VLCAD deficiency based on the ACMG/AMP criteria applied, as specified by the ClinGen ACADVL Variant Curation Expert Panel: PP4_Moderate, PM3, PM2_Supporting, PS3_Supporting, PP3 (ACADVL VCEP specifications version 1; approved November 8, 2021).

Labcorp Genetics (formerly Invitae), Labcorp
Classification: Pathogenic for Very long chain acyl-CoA dehydrogenase deficiency. Last evaluated: 2024-09-20. Review status: criteria provided, single submitter. Criteria: Invitae Variant Classification Sherloc (09022015). Collection method: clinical testing. Allele origin: germline. Not counted in ClinVar's aggregate classification.
Comment: This sequence change replaces proline, which is neutral and non-polar, with serine, which is neutral and polar, at codon 89 of the ACADVL protein (p.Pro89Ser). This variant is not present in population databases (gnomAD no frequency). This missense change has been observed in individual(s) with very long chain acyl-CoA dehydrogenase deficiency (PMID: 11914034). In at least one individual the data is consistent with being in trans (on the opposite chromosome) from a pathogenic variant. ClinVar contains an entry for this variant (Variation ID: 1707712). Invitae Evidence Modeling of protein sequence and biophysical properties (such as structural, functional, and spatial information, amino acid conservation, physicochemical variation, residue mobility, and thermodynamic stability) indicates that this missense variant is expected to disrupt ACADVL protein function with a positive predictive value of 95%. Experimental studies have shown that this missense change affects ACADVL function (PMID: 11914034). For these reasons, this variant has been classified as Pathogenic.

Baylor Genetics
Classification: Likely pathogenic for Very long chain acyl-CoA dehydrogenase deficiency. Last evaluated: 2023-07-21. Review status: criteria provided, single submitter. Criteria: ACMG Guidelines, 2015. Collection method: clinical testing. Allele origin: unknown. Not counted in ClinVar's aggregate classification.

Literature cited by the submitters: PubMed 11914034 (cited by Labcorp Genetics (formerly Invitae), Labcorp).

NM_000018.4(ACADVL):c.265C>T (p.Pro89Ser)

Gene: ACADVL (acyl-CoA dehydrogenase very long chain; plus strand). Cytogenetic location: 17p13.1.
Variant type: single nucleotide variant.
Coding change: c.265C>T on transcript NM_000018.4 (MANE Select); coding-DNA position 265, C replaced by T.
Protein change: p.Pro89Ser; replaces proline 89 with serine.
Molecular consequence: missense variant.
Genome position (GRCh38, 1-based): chr17:7,220,664, C>T. VCF-style: chr17-7220664-C-T. GRCh37 (hg19) VCF-style: chr17-7123983-C-T.
Other names: c.199C>T, p.Pro67Ser (NM_001033859.3); c.334C>T, p.Pro112Ser (NM_001270447.2); c.37C>T, p.Pro13Ser (NM_001270448.2); short protein forms P112S, P13S, P67S, P89S.
Identifiers: ClinVar variation 1707712 (VCV001707712.5), dbSNP rs2508253534, ClinGen allele CA397722455.